The following is an entry in ClinVar:

ClinVar aggregate classification (germline): Uncertain significance (1 of 4 stars; one submission).

Submission:

Ambry Genetics
Classification: Uncertain significance. Last evaluated: 2026-06-04. Review status: criteria provided, single submitter. Criteria: Ambry Variant Classification Scheme 2023. Collection method: clinical testing. Allele origin: germline.
Comment: The c.938delA (p.K313Sfs*2) alteration, located in exon 3 (coding exon 2) of the WAPL gene, consists of a deletion of one nucleotide at position 938, causing a translational frameshift with a predicted alternate stop codon after 2 amino acids. This variant is expected to result in premature protein truncation or nonsense-mediated mRNA decay. However, loss of function of WAPL has not been established as a mechanism of disease. This variant was not reported in population-based cohorts in the Genome Aggregation Database (gnomAD). Based on insufficient or conflicting evidence, the clinical significance of this alteration remains unclear.

NM_015045.5(WAPL):c.938del (p.Lys313fs)

Gene: WAPL (WAPL cohesin release factor; minus strand). Cytogenetic location: 10q23.2.
Variant type: Deletion.
Coding change: c.938del on transcript NM_015045.5 (MANE Select); coding-DNA position 938, one base deleted (A; older notation c.938delA).
Protein change: p.Lys313fs; shifts the reading frame from lysine 313.
Molecular consequence: frameshift variant.
Genome position (GRCh38, 1-based): chr10:86,500,305, T deleted on the plus strand (A on the coding strand, the reverse complement: WAPL is on the minus strand); the first of 2 consecutive T bases (chr10:86,500,305-86,500,306); deleting either gives the same sequence. VCF-style (leftmost placement, unchanged base first): chr10-86500304-CT-C. GRCh37 (hg19) VCF-style: chr10-88260061-CT-C.
Other names: c.938del, p.Lys313fs (NM_001318328.2); short protein forms K313fs.
Identifiers: ClinVar variation 4866466 (VCV004866466.1).